The following is an entry in ClinVar:

ClinVar aggregate classification (germline): Uncertain significance (1 of 4 stars; one submission).

Conditions:
Hereditary cancer-predisposing syndrome. Also called: Neoplastic Syndromes, Hereditary; Tumor predisposition; Hereditary Cancer Syndrome; Hereditary neoplastic syndrome. Identifiers: Orphanet 140162, MedGen C0027672, MeSH D009386, MONDO:0015356.

Allele frequency attached by ClinVar (database versions not stated): ExAC 0.00001; gnomAD exomes 0.00001.

Submission:

Ambry Genetics
Classification: Uncertain significance for Hereditary cancer-predisposing syndrome. Last evaluated: 2022-09-01. Review status: criteria provided, single submitter. Criteria: Ambry Variant Classification Scheme 2023. Collection method: clinical testing. Allele origin: germline.
Comment: The p.D136N variant (also known as c.406G>A), located in coding exon 5 of the MRE11A gene, results from a G to A substitution at nucleotide position 406. The aspartic acid at codon 136 is replaced by asparagine, an amino acid with highly similar properties. This amino acid position is conserved. In addition, this alteration is predicted to be tolerated by in silico analysis. Since supporting evidence is limited at this time, the clinical significance of this alteration remains unclear.

NM_005591.4(MRE11):c.406G>A (p.Asp136Asn)

Gene: MRE11 (MRE11 double strand break repair nuclease; minus strand). Cytogenetic location: 11q21.
Variant type: single nucleotide variant.
Coding change: c.406G>A on transcript NM_005591.4 (MANE Select); coding-DNA position 406, G replaced by A.
Protein change: p.Asp136Asn; replaces aspartic acid 136 with asparagine.
Molecular consequence: missense variant.
Genome position (GRCh38, 1-based): chr11:94,478,873, C>T on the plus strand (G>A on the coding strand, the complement: MRE11 is on the minus strand). VCF-style: chr11-94478873-C-T. GRCh37 (hg19) VCF-style: chr11-94212039-C-T.
Other names: c.406G>A, p.Asp136Asn (NM_001330347.2, NM_005590.4); short protein forms D136N.
Identifiers: ClinVar variation 1800066 (VCV001800066.2), dbSNP rs763383095, ClinGen allele CA6235394.
Genomic context (GRCh38, chr11:94,478,873, plus strand): 5'-AACGTCCAAAGTGATTTACAAATCCAGCACAACTTAAAATGTCCAAGGCACAAAGTGCAT[C>T]TGCCTATGCAAAATAATTTCAAAGAATGTTAGTGTGTATGTAAAAGTAGGTATCTGCATG-3'
Protein context (NP_005582.1, residues 126-146): HGNHDDPTGA[Asp136Asn]ALCALDILSC